The following is an entry in ClinVar:

NM_017612.5(ZCCHC8):c.1373G>A (p.Ser458Asn)

Gene: ZCCHC8 (zinc finger CCHC-type containing 8; minus strand). Cytogenetic location: 12q24.31.
Variant type: single nucleotide variant.
Coding change: c.1373G>A on transcript NM_017612.5 (MANE Select); coding-DNA position 1373, G replaced by A.
Protein change: p.Ser458Asn; replaces serine 458 with asparagine.
Molecular consequence: missense variant.
Genome position (GRCh38, 1-based): chr12:122,474,248, C>T on the plus strand (G>A on the coding strand, the complement: ZCCHC8 is on the minus strand). VCF-style: chr12-122474248-C-T. GRCh37 (hg19) VCF-style: chr12-122958795-C-T.
Other names: c.1142G>A, p.Ser381Asn (NM_001350935.2); c.1076G>A, p.Ser359Asn (NM_001350936.2); c.659G>A, p.Ser220Asn (NM_001350937.2, NM_001350938.2); short protein forms S220N, S458N, S381N, S359N.
Identifiers: ClinVar variation 1940687 (VCV001940687.5), dbSNP rs2547194954, ClinGen allele CA387049440.

ClinVar aggregate classification (germline): Uncertain significance (1 of 4 stars; one submission).

Submission:

Labcorp Genetics (formerly Invitae), Labcorp
Classification: Uncertain significance. Last evaluated: 2022-08-05. Review status: criteria provided, single submitter. Criteria: Invitae Variant Classification Sherloc (09022015). Collection method: clinical testing. Allele origin: germline.
Comment: In summary, the available evidence is currently insufficient to determine the role of this variant in disease. Therefore, it has been classified as a Variant of Uncertain Significance. This sequence change replaces serine, which is neutral and polar, with asparagine, which is neutral and polar, at codon 458 of the ZCCHC8 protein (p.Ser458Asn). This variant is not present in population databases (gnomAD no frequency). This variant has not been reported in the literature in individuals affected with ZCCHC8-related conditions. Algorithms developed to predict the effect of missense changes on protein structure and function output the following: SIFT: "Tolerated"; PolyPhen-2: "Not Available"; Align-GVGD: "Class C0". The asparagine amino acid residue is found in multiple mammalian species, which suggests that this missense change does not adversely affect protein function.